The following is an entry in ClinVar:

NM_004733.4(SLC33A1):c.80G>A (p.Ser27Asn)

Gene: SLC33A1 (solute carrier family 33 member 1; minus strand). Cytogenetic location: 3q25.31.
Variant type: single nucleotide variant.
Coding change: c.80G>A on transcript NM_004733.4 (MANE Select); coding-DNA position 80, G replaced by A.
Protein change: p.Ser27Asn; replaces serine 27 with asparagine.
Molecular consequence: missense variant.
Genome position (GRCh38, 1-based): chr3:155,853,918, C>T on the plus strand (G>A on the coding strand, the complement: SLC33A1 is on the minus strand). VCF-style: chr3-155853918-C-T. GRCh37 (hg19) VCF-style: chr3-155571707-C-T.
Other names: c.80G>A, p.Ser27Asn (NM_001190992.2, NM_001363883.1); short protein forms S27N.
Identifiers: ClinVar variation 1314123 (VCV001314123.3), dbSNP rs1273518976, ClinGen allele CA355144635.

ClinVar aggregate classification (germline): Uncertain significance. Review status: criteria provided, multiple submitters, no conflicts (2 of 4 stars). 2 submissions from 2 submitters: Uncertain significance (2). Last evaluated 2024-11-22.

Conditions:
Inborn genetic diseases. Identifiers: MedGen C0950123, MeSH D030342.

Allele frequency attached by ClinVar (database versions not stated): gnomAD exomes below 0.00001; gnomAD 0.00001; TOPMed 0.00001.

Submissions (2):

Ambry Genetics
Classification: Uncertain significance for Inborn genetic diseases. Last evaluated: 2024-11-22. Review status: criteria provided, single submitter. Criteria: Ambry Variant Classification Scheme 2023. Collection method: clinical testing. Allele origin: germline.

GeneDx
Classification: Uncertain significance. Last evaluated: 2021-03-02. Review status: criteria provided, single submitter. Criteria: GeneDx Variant Classification Process June 2021. Collection method: clinical testing. Allele origin: germline. Affected: yes.
Comment: Not observed in large population cohorts (Lek et al., 2016); In silico analysis supports that this missense variant does not alter protein structure/function; Has not been previously published as pathogenic or benign to our knowledge